The following is an entry in ClinVar:

ClinVar aggregate classification (germline): Uncertain significance (0 of 4 stars; one submission).

Conditions:
SCAF4-related disorder. Also called: SCAF4-related condition.

gnomAD v4.1: 1 of 1,614,052 alleles (0.000062%); highest among the groups gnomAD compares: Non-Finnish European, 0.000085%; no homozygotes.

Submission:

PreventionGenetics, part of Exact Sciences
Classification: Uncertain significance for SCAF4-related condition. Last evaluated: 2024-09-16. Review status: no assertion criteria provided. Collection method: clinical testing. Allele origin: germline.
Comment: The SCAF4 c.3100G>A variant is predicted to result in the amino acid substitution p.Gly1034Arg. To our knowledge, this variant has not been reported in the literature or in a large population database, indicating this variant is rare. At this time, the clinical significance of this variant is uncertain due to the absence of conclusive functional and genetic evidence.

NM_020706.2(SCAF4):c.3100G>A (p.Gly1034Arg)

Gene: SCAF4 (SR-related CTD associated factor 4; minus strand). Cytogenetic location: 21q22.11.
Variant type: single nucleotide variant.
Coding change: c.3100G>A on transcript NM_020706.2 (MANE Select); coding-DNA position 3100, G replaced by A.
Protein change: p.Gly1034Arg; replaces glycine 1034 with arginine.
Molecular consequence: missense variant.
Genome position (GRCh38, 1-based): chr21:31,671,743, C>T on the plus strand (G>A on the coding strand, the complement: SCAF4 is on the minus strand). VCF-style: chr21-31671743-C-T. GRCh37 (hg19) VCF-style: chr21-33044056-C-T.
Other names: c.3055G>A, p.Gly1019Arg (NM_001145444.1); c.3034G>A, p.Gly1012Arg (NM_001145445.1); short protein forms G1012R, G1019R, G1034R.
Identifiers: ClinVar variation 3344061 (VCV003344061.1).